The following is an entry in ClinVar:

ClinVar aggregate classification (germline): Uncertain significance. Review status: criteria provided, multiple submitters, no conflicts (2 of 4 stars). 2 submissions from 2 submitters: Uncertain significance (2). Last evaluated 2025-06-18.

Conditions:
Inborn genetic diseases. Identifiers: MedGen C0950123, MeSH D030342.

Allele frequency attached by ClinVar (database versions not stated): ExAC 0.00002; gnomAD exomes 0.00002 and 0.00004; gnomAD 0.00005; TOPMed 0.00006.

Submissions (2):

Ambry Genetics
Classification: Uncertain significance for Inborn genetic diseases. Last evaluated: 2025-06-18. Review status: criteria provided, single submitter. Criteria: Ambry Variant Classification Scheme 2023. Collection method: clinical testing. Allele origin: germline.

Labcorp Genetics (formerly Invitae), Labcorp
Classification: Uncertain significance. Last evaluated: 2022-05-29. Review status: criteria provided, single submitter. Criteria: Invitae Variant Classification Sherloc (09022015). Collection method: clinical testing. Allele origin: germline.
Comment: This sequence change replaces asparagine, which is neutral and polar, with serine, which is neutral and polar, at codon 161 of the PIGV protein (p.Asn161Ser). This variant is present in population databases (rs767117669, gnomAD 0.008%). This variant has not been reported in the literature in individuals affected with PIGV-related conditions. ClinVar contains an entry for this variant (Variation ID: 948629). Algorithms developed to predict the effect of missense changes on protein structure and function output the following: SIFT: "Tolerated"; PolyPhen-2: "Benign"; Align-GVGD: "Class C0". The serine amino acid residue is found in multiple mammalian species, which suggests that this missense change does not adversely affect protein function. Algorithms developed to predict the effect of sequence changes on RNA splicing suggest that this variant may create or strengthen a splice site. In summary, the available evidence is currently insufficient to determine the role of this variant in disease. Therefore, it has been classified as a Variant of Uncertain Significance.

NM_017837.4(PIGV):c.482A>G (p.Asn161Ser)

Gene: PIGV (phosphatidylinositol glycan anchor biosynthesis class V; plus strand). Cytogenetic location: 1p36.11.
Variant type: single nucleotide variant.
Coding change: c.482A>G on transcript NM_017837.4 (MANE Select); coding-DNA position 482, A replaced by G.
Protein change: p.Asn161Ser; replaces asparagine 161 with serine.
Molecular consequence: missense variant. On other transcripts: non-coding transcript variant (1), intron variant (3).
Genome position (GRCh38, 1-based): chr1:26,794,516, A>G. VCF-style: chr1-26794516-A-G. GRCh37 (hg19) VCF-style: chr1-27121007-A-G.
Other names: c.482A>G, p.Asn161Ser (NM_001202554.2, NM_001374478.1, NM_001374480.1 and 2 more transcripts); c.101A>G, p.Asn34Ser (NM_001374483.1); c.172+310A>G (NM_001374484.1, NM_001374485.1); c.79-3047A>G (NM_001374486.1); short protein forms N161S, N34S.
Identifiers: ClinVar variation 948629 (VCV000948629.6), dbSNP rs767117669, ClinGen allele CA708065.
Genomic context (GRCh38, chr1:26,794,516, plus strand): 5'-TTTTGCACTGTCCCCACCAGTCCTTTTATGCAGCTCTGCTTTTCTGTCTCAGCCCTGCCA[A>G]TGTCTTCCTGGCAGCTGGTTACTCAGAAGCTTTGTTTGCCCTCCTGACATTCAGTGCCAT-3'
Protein context (NP_060307.2, residues 151-171): AALLFCLSPA[Asn161Ser]VFLAAGYSEA